The following is an entry in ClinVar:

ClinVar aggregate classification (germline): Likely benign (0 of 4 stars; one submission).

Conditions:
NSMF-related disorder. Also called: NSMF-related condition.

Allele frequency attached by ClinVar (database versions not stated): gnomAD exomes below 0.00001; TOPMed 0.00001.

Submission:

PreventionGenetics, part of Exact Sciences
Classification: Likely benign for NSMF-related condition. Last evaluated: 2019-05-27. Review status: no assertion criteria provided. Collection method: clinical testing. Allele origin: germline.
Comment: This variant is classified as likely benign based on ACMG/AMP sequence variant interpretation guidelines (Richards et al. 2015 PMID: 25741868, with internal and published modifications).

NM_001130969.3(NSMF):c.1132-32G>A

Gene: NSMF (NMDA receptor synaptonuclear signaling and neuronal migration factor; minus strand). Cytogenetic location: 9q34.3.
Variant type: single nucleotide variant.
Coding change: c.1132-32G>A on transcript NM_001130969.3 (MANE Select); 32 bases into the intron before coding-DNA position 1132, G replaced by A.
Molecular consequence: intron variant.
Genome position (GRCh38, 1-based): chr9:137,452,618, C>T on the plus strand (G>A on the coding strand, the complement: NSMF is on the minus strand). VCF-style: chr9-137452618-C-T. GRCh37 (hg19) VCF-style: chr9-140347070-C-T.
Other names: c.1057-32G>A (NM_001130971.2); c.1126-32G>A (NM_015537.5); c.1063-32G>A (NM_001130970.2); c.1042-32G>A (NM_001178064.2).
Identifiers: ClinVar variation 3038459 (VCV003038459.2), dbSNP rs1830593686, ClinGen allele CA1884494723.